The following is an entry in ClinVar:

ClinVar aggregate classification (germline): Uncertain significance (1 of 4 stars; one submission).

Conditions:
Glycogen storage disease, type II (IOPD). Also called: Pompe Disease; CARDIOMEGALIA GLYCOGENICA DIFFUSA; GLYCOGENOSIS, GENERALIZED, CARDIAC FORM; GSD II; POMPE DISEASE, INFANTILE-ONSET; GLYCOGEN STORAGE DISEASE II, INFANTILE-ONSET. Identifiers: Orphanet 365, MedGen C0017921, MONDO:0009290, OMIM 232300.

Submission:

Genomenon, Inc
Classification: Uncertain significance for Glycogen storage disease, type II. Last evaluated: 2026-07-01. Review status: criteria provided, single submitter. Criteria: Genomenon Sequence Variant Interpretation Standards - Updated. Collection method: curation. Allele origin: germline. Affected: no.
Comment: GAA p.Ala644Val (c.1931C>T) is a missense variant that changes the amino acid at codon 644 from Alanine to Valine. This variant has been reported in the published literature (PMID:30281819). It is absent or not present at a significant frequency in gnomAD. In silico models predict that this variant is possibly or probably damaging. In conclusion, we classify GAA p.Ala644Val (c.1931C>T) as a variant of uncertain significance.

Literature cited by the submitters: PubMed 30281819.

NM_000152.5(GAA):c.1931C>T (p.Ala644Val)

Gene: GAA (alpha glucosidase; plus strand). Cytogenetic location: 17q25.3.
Variant type: single nucleotide variant.
Coding change: c.1931C>T on transcript NM_000152.5 (MANE Select); coding-DNA position 1931, C replaced by T.
Protein change: p.Ala644Val; replaces alanine 644 with valine.
Molecular consequence: missense variant.
Genome position (GRCh38, 1-based): chr17:80,112,918, C>T. VCF-style: chr17-80112918-C-T. GRCh37 (hg19) VCF-style: chr17-78086717-C-T.
Other names: c.1931C>T, p.Ala644Val (NM_001079803.3, NM_001079804.3, NM_001406741.1 and 1 more transcripts); short protein forms A644V.
Identifiers: ClinVar variation 4876440 (VCV004876440.1).